The following is an entry in ClinVar:

NM_133261.3(GIPC3):c.213C>A (p.Ile71=)

Gene: GIPC3 (GIPC PDZ domain containing family member 3; plus strand). Cytogenetic location: 19p13.3.
Variant type: single nucleotide variant.
Coding change: c.213C>A on transcript NM_133261.3 (MANE Select); coding-DNA position 213, C replaced by A.
Protein change: p.Ile71=; no amino-acid change (isoleucine 71 retained).
Molecular consequence: synonymous variant.
Genome position (GRCh38, 1-based): chr19:3,585,810, C>A. VCF-style: chr19-3585810-C-A. GRCh37 (hg19) VCF-style: chr19-3585808-C-A.
Identifiers: ClinVar variation 227379 (VCV000227379.13), dbSNP rs876657467, ClinGen allele CA10577097.
Genomic context (GRCh38, chr19:3,585,810, plus strand): 5'-GATCGAGGGCTTCACCAACGTCCGCGAGCTGTACGCCAAGATCGCCGAAGCCTTCGGGAT[C>A]GCGCCCACCGAGGTAAGGAGCCCGGACACCGGCGCCCAAGACCACCCGCCTGATGGGGTG-3'
Protein context (NP_573568.1, residues 61-81): LYAKIAEAFG[Ile71=]APTEILFCTL

ClinVar aggregate classification (germline): Conflicting classifications of pathogenicity. Review status: criteria provided, conflicting classifications (1 of 4 stars). 3 submissions from 3 submitters: Uncertain significance (1); Likely benign (2). Last evaluated 2022-11-26.

Allele frequency attached by ClinVar (database versions not stated): gnomAD 0.00003 and 0.00004; gnomAD exomes 0.00005 and 0.00010; TOPMed 0.00006.
gnomAD v4.1: 137 of 1,544,842 alleles (0.0089%); highest among the groups gnomAD compares: Non-Finnish European, 0.012%; no homozygotes.

Submissions (3):

Labcorp Genetics (formerly Invitae), Labcorp
Classification: Likely benign. Last evaluated: 2022-11-26. Review status: criteria provided, single submitter. Criteria: Invitae Variant Classification Sherloc (09022015). Collection method: clinical testing. Allele origin: germline.

GeneDx
Classification: Uncertain significance. Last evaluated: 2022-04-29. Review status: criteria provided, single submitter. Criteria: GeneDx Variant Classification Process June 2021. Collection method: clinical testing. Allele origin: germline. Affected: yes.
Comment: In silico analysis supports that this variant does not alter splicing; Has not been previously published as pathogenic or benign to our knowledge

Laboratory for Molecular Medicine, Mass General Brigham Personalized Medicine
Classification: Likely benign. Last evaluated: 2015-12-17. Review status: criteria provided, single submitter. Criteria: LMM Criteria. Collection method: clinical testing. Allele origin: germline. Observed: 1 variant allele.
Comment: p.Ile71Ile in exon 1 of GIPC3: This variant is not expected to have clinical sig nificance because it does not alter an amino acid residue and is not located wit hin the splice consensus sequence.